The following is an entry in ClinVar:

NM_000203.5(IDUA):c.1230C>G (p.Thr410=)

Gene: IDUA (alpha-L-iduronidase; plus strand). Cytogenetic location: 4p16.3.
Variant type: single nucleotide variant.
Coding change: c.1230C>G on transcript NM_000203.5 (MANE Select); coding-DNA position 1230, C replaced by G.
Protein change: p.Thr410=; no amino-acid change (threonine 410 retained).
Molecular consequence: synonymous variant. On other transcripts: non-coding transcript variant (1).
Genome position (GRCh38, 1-based): chr4:1,002,772, C>G. VCF-style: chr4-1002772-C-G. GRCh37 (hg19) VCF-style: chr4-996560-C-G.
Other names: NM_000203.5(IDUA):c.1230C>G; p.Thr410=; c.834C>G, p.Thr278= (NM_001363576.1).
Identifiers: ClinVar variation 92628 (VCV000092628.32), dbSNP rs115790973, ClinGen allele CA145870.

ClinVar aggregate classification (germline): Benign. Review status: reviewed by expert panel (3 of 4 stars). 13 submissions from 13 submitters: Benign (1). 12 of the submissions do not count toward it. Last evaluated 2025-01-02.

Conditions:
Mucopolysaccharidosis type 1. Also called: IDUA deficiency; MPS I; Mucopolysaccharidosis Type I. Identifiers: Orphanet 579, MedGen C0023786, MONDO:0001586.

Allele frequency attached by ClinVar (database versions not stated): TOPMed 0.16939; 1000 Genomes Project 30x 0.21487; 1000 Genomes Project 0.21785; ExAC 0.26844.
gnomAD v4.1: 238,250 of 1,473,224 alleles (16%); highest among the groups gnomAD compares: South Asian, 30%; 20,800 homozygotes.

Submissions (13):

ClinGen Lysosomal Storage Disorder Variant Curation Expert Panel
Classification: Benign for Mucopolysaccharidosis type 1. Last evaluated: 2025-01-02. Review status: reviewed by expert panel. Criteria: ClinGen LSD ACMG Specifications IDUA V1.0.0. Collection method: curation. Allele origin: germline. Inheritance: Autosomal recessive inheritance.
Comment: The NM_000203.5:c.1230C>G variant in IDUA is a synonymous (silent) variant (p.Thr410=). The Grpmax Filtering AF (95% confidence) in gnomAD v4.1.0 is 0.2954 in the South Asian population, which is higher than the ClinGen Lysosomal Diseases VCEP’s threshold for BA1 (>0.005), and therefore meets this criterion (BA1). There is a ClinVar entry for this variant (Variation ID: 92628). In summary, this variant meets the criteria to be classified as benign for mucopolysaccharidosis type 1. IDUA-specific ACMG/AMP criteria applied, as specified by the ClinGen Lysosomal Diseases Variant Curation Expert Panel (Specifications Version 1.0.0): BA1. (Classification approved by the ClinGen Lysosomal Diseases Variant Curation Expert Panel on January 2, 2025)

Labcorp Genetics (formerly Invitae), Labcorp
Classification: Benign for Mucopolysaccharidosis type 1. Last evaluated: 2026-02-04. Review status: criteria provided, single submitter. Criteria: Invitae Variant Classification Sherloc (09022015). Collection method: clinical testing. Allele origin: germline. Not counted in ClinVar's aggregate classification.

Blueprint Genetics
Classification: Benign. Last evaluated: 2024-11-26. Review status: criteria provided, single submitter. Criteria: ACMG Guidelines, 2015. Collection method: clinical testing. Allele origin: germline. Not counted in ClinVar's aggregate classification.

GeneDx
Classification: Benign. Last evaluated: 2018-08-29. Review status: criteria provided, single submitter. Criteria: GeneDx Variant Classification Process June 2021. Collection method: clinical testing. Allele origin: germline. Affected: yes. Not counted in ClinVar's aggregate classification.
Comment: This variant is associated with the following publications: (PMID: 16438163, 28649516)

Illumina Laboratory Services, Illumina
Classification: Benign for Mucopolysaccharidosis type 1. Last evaluated: 2018-01-12. Review status: criteria provided, single submitter. Criteria: ICSL Variant Classification Criteria 13 December 2019. Collection method: clinical testing. Allele origin: germline. Not counted in ClinVar's aggregate classification.
Comment: This variant was observed in the ICSL laboratory as part of a predisposition screen in an ostensibly healthy population. It had not been previously curated by ICSL or reported in the Human Gene Mutation Database (HGMD: prior to June 1st, 2018), and was therefore a candidate for classification through an automated scoring system. Utilizing variant allele frequency, disease prevalence and penetrance estimates, and inheritance mode, an automated score was calculated to assess if this variant is too frequent to cause the disease. Based on the score and internal cut-off values, a variant classified as benign is not then subjected to further curation. The score for this variant resulted in a classification of benign for this disease.

Eurofins Ntd Llc (ga)
Classification: Benign. Last evaluated: 2017-11-02. Review status: criteria provided, single submitter. Criteria: EGL Classification Definitions 2015. Collection method: clinical testing. Allele origin: germline. Observed: 62 variant alleles, 56 heterozygotes, 6 homozygotes. Not counted in ClinVar's aggregate classification.

Breakthrough Genomics
Classification: Benign. Review status: criteria provided, single submitter. Criteria: ACMG Guidelines, 2015. Collection method: not provided. Allele origin: germline. Inheritance: Autosomal recessive inheritance. Affected: yes. Not counted in ClinVar's aggregate classification.

PreventionGenetics, part of Exact Sciences
Classification: Benign. Review status: criteria provided, single submitter. Criteria: ACMG Guidelines, 2015. Collection method: clinical testing. Allele origin: germline. Not counted in ClinVar's aggregate classification.

Natera, Inc.
Classification: Benign for Mucopolysaccharidosis type I. Last evaluated: 2017-05-11. Review status: no assertion criteria provided. Collection method: clinical testing. Allele origin: germline. Not counted in ClinVar's aggregate classification.

Mayo Clinic Laboratories, Mayo Clinic
Classification: Likely benign. Last evaluated: 2015-12-16. Review status: no assertion criteria provided. Collection method: clinical testing. Allele origin: unknown. Not counted in ClinVar's aggregate classification.

Clinical Genetics DNA and cytogenetics Diagnostics Lab, Erasmus MC, Erasmus Medical Center
Classification: Benign. Review status: no assertion criteria provided. Collection method: clinical testing. Allele origin: germline. Affected: yes. Study: VKGL Data-share Consensus. Not counted in ClinVar's aggregate classification.

Clinical Genetics, Academic Medical Center
Classification: Likely benign. Review status: no assertion criteria provided. Collection method: clinical testing. Allele origin: germline. Affected: yes. Study: VKGL Data-share Consensus. Not counted in ClinVar's aggregate classification.

Diagnostic Laboratory, Department of Genetics, University Medical Center Groningen
Classification: Benign. Review status: no assertion criteria provided. Collection method: clinical testing. Allele origin: germline. Affected: yes. Study: VKGL Data-share Consensus. Not counted in ClinVar's aggregate classification.